The following is an entry in ClinVar:

ClinVar aggregate classification (germline): Uncertain significance (1 of 4 stars; one submission).

Conditions:
ATP11A-related disorder. Also called: ATP11A-related condition.

Submission:

PreventionGenetics, part of Exact Sciences
Classification: Uncertain significance for ATP11A-related condition. Last evaluated: 2026-07-29. Review status: criteria provided, single submitter. Criteria: ACMG Guidelines, 2015. Collection method: clinical testing. Allele origin: germline.
Comment: The ATP11A c.667C>G variant is predicted to result in the amino acid substitution p.Leu223Val. To our knowledge, this variant has not been reported in the literature or in a large population database (gnomAD), indicating this variant is rare. At this time, the clinical significance of this variant is uncertain due to the absence of conclusive functional and genetic evidence.

NM_015205.3(ATP11A):c.667C>G (p.Leu223Val)

Gene: ATP11A (ATPase phospholipid transporting 11A; plus strand). Cytogenetic location: 13q34.
Variant type: single nucleotide variant.
Coding change: c.667C>G on transcript NM_015205.3 (MANE Select); coding-DNA position 667, C replaced by G.
Protein change: p.Leu223Val; replaces leucine 223 with valine.
Molecular consequence: missense variant.
Genome position (GRCh38, 1-based): chr13:112,819,400, C>G. VCF-style: chr13-112819400-C-G. GRCh37 (hg19) VCF-style: chr13-113473714-C-G.
Other names: c.667C>G, p.Leu223Val (NM_001405661.1, NM_001405662.1, NM_001405663.1 and 1 more transcripts); short protein forms L223V.
Identifiers: ClinVar variation 4982628 (VCV004982628.1).